The following is an entry in ClinVar:

NM_024753.5(TTC21B):c.1741G>C (p.Asp581His)

Gene: TTC21B (tetratricopeptide repeat domain 21B; minus strand). Cytogenetic location: 2q24.3.
Variant type: single nucleotide variant.
Coding change: c.1741G>C on transcript NM_024753.5 (MANE Select); coding-DNA position 1741, G replaced by C.
Protein change: p.Asp581His; replaces aspartic acid 581 with histidine.
Molecular consequence: missense variant.
Genome position (GRCh38, 1-based): chr2:165,917,415, C>G on the plus strand (G>C on the coding strand, the complement: TTC21B is on the minus strand). VCF-style: chr2-165917415-C-G. GRCh37 (hg19) VCF-style: chr2-166773925-C-G.
Other names: short protein forms D581H.
Identifiers: ClinVar variation 5001119 (VCV005001119.1).
Genomic context (GRCh38, chr2:165,917,415, plus strand): 5'-AAGCTCCAATTCTTTTCATTCCTGGTAAACTCATTGCCATATGCAGTGTTTTAATTGCGT[C>G]TGCTATTTCTCCCATTTTCTTTTGTGACTGAGCTTTTATCAAATGGTATAAAGGATAGTC-3'
Protein context (NP_079029.3, residues 571-591): QSQKKMGEIA[Asp581His]AIKTLHMAMS

ClinVar aggregate classification (germline): Uncertain significance (1 of 4 stars; one submission).

Conditions:
TTC21B-related disorder. Also called: TTC21B-related disorders; TTC21B-related condition.

gnomAD v4.1: 2 of 1,614,088 alleles (0.00012%); highest among the groups gnomAD compares: Non-Finnish European, 0.00017%; no homozygotes.

Submission:

PreventionGenetics, part of Exact Sciences
Classification: Uncertain significance for TTC21B-related condition. Last evaluated: 2024-11-09. Review status: criteria provided, single submitter. Criteria: ACMG Guidelines, 2015. Collection method: clinical testing. Allele origin: germline.
Comment: The TTC21B c.1741G>C variant is predicted to result in the amino acid substitution p.Asp581His. To our knowledge, this variant has not been reported in the literature or in a large population database (gnomAD), indicating this variant is rare. At this time, the clinical significance of this variant is uncertain due to the absence of conclusive functional and genetic evidence.